The following is an entry in ClinVar:

NM_000384.3(APOB):c.8936G>T (p.Gly2979Val)

Gene: APOB (apolipoprotein B; minus strand). Cytogenetic location: 2p24.1.
Variant type: single nucleotide variant.
Coding change: c.8936G>T on transcript NM_000384.3 (MANE Select); coding-DNA position 8936, G replaced by T.
Protein change: p.Gly2979Val; replaces glycine 2979 with valine.
Molecular consequence: missense variant.
Genome position (GRCh38, 1-based): chr2:21,007,932, C>A on the plus strand (G>T on the coding strand, the complement: APOB is on the minus strand). VCF-style: chr2-21007932-C-A. GRCh37 (hg19) VCF-style: chr2-21230804-C-A.
Other names: short protein forms G2979V.
Identifiers: ClinVar variation 4793478 (VCV004793478.1).

ClinVar aggregate classification (germline): Uncertain significance (1 of 4 stars; one submission).

Conditions:
Familial hypobetalipoproteinemia 1. Also called: Hypobetalipoproteinemia, normotriglyceridemic; Acanthocytosis with hypobetalipoproteinemia; APOB-Related Familial Hypobetalipoproteinemia. Identifiers: MedGen C4551990, MONDO:0014252, OMIM 615558.
Hypercholesterolemia, autosomal dominant, type B (FHCL2). Also called: Familial Hypercholesterolemia Type B; APOLIPOPROTEIN B-100, FAMILIAL DEFECTIVE; APOLIPOPROTEIN B-100, FAMILIAL LIGAND-DEFECTIVE; HYPERCHOLESTEROLEMIA, FAMILIAL, DUE TO LIGAND-DEFECTIVE APOLIPOPROTEIN B; APOB-Related Familial Hypercholesterolemia, Autosomal Dominant; Hyperlipoproteinemia Type IIb. Identifiers: MedGen C1704417, MONDO:0007751, OMIM 144010.

gnomAD v4.1: 1 of 1,613,952 alleles (0.000062%); highest among the groups gnomAD compares: Non-Finnish European, 0.000085%; no homozygotes.

Submission:

Labcorp Genetics (formerly Invitae), Labcorp
Classification: Uncertain significance for Familial hypobetalipoproteinemia 1; Hypercholesterolemia, autosomal dominant, type B. Last evaluated: 2025-12-23. Review status: criteria provided, single submitter. Criteria: Invitae Variant Classification Sherloc (09022015). Collection method: clinical testing. Allele origin: germline.
Comment: This sequence change replaces glycine, which is neutral and non-polar, with valine, which is neutral and non-polar, at codon 2979 of the APOB protein (p.Gly2979Val). This variant is not present in population databases (gnomAD no frequency). This variant has not been reported in the literature in individuals affected with APOB-related conditions. Invitae Evidence Modeling of protein sequence and biophysical properties (such as structural, functional, and spatial information, amino acid conservation, physicochemical variation, residue mobility, and thermodynamic stability) indicates that this missense variant is not expected to disrupt APOB protein function with a negative predictive value of 95%. In summary, the available evidence is currently insufficient to determine the role of this variant in disease. Therefore, it has been classified as a Variant of Uncertain Significance.